The following is an entry in ClinVar:

NM_001042492.3(NF1):c.656C>G (p.Ala219Gly)

Gene: NF1 (neurofibromin 1; plus strand). Cytogenetic location: 17q11.2.
Variant type: single nucleotide variant.
Coding change: c.656C>G on transcript NM_001042492.3 (MANE Select); coding-DNA position 656, C replaced by G.
Protein change: p.Ala219Gly; replaces alanine 219 with glycine.
Molecular consequence: missense variant.
Genome position (GRCh38, 1-based): chr17:31,181,711, C>G. VCF-style: chr17-31181711-C-G. GRCh37 (hg19) VCF-style: chr17-29508729-C-G.
Other names: c.656C>G, p.Ala219Gly (NM_000267.4, NM_001128147.3); short protein forms A219G.
Identifiers: ClinVar variation 481963 (VCV000481963.16), dbSNP rs1160353919, ClinGen allele CA398989616.

ClinVar aggregate classification (germline): Uncertain significance. Review status: criteria provided, multiple submitters, no conflicts (2 of 4 stars). 4 submissions from 4 submitters: Uncertain significance (4). Last evaluated 2025-08-13.

Conditions:
Cardiovascular phenotype. Identifiers: MedGen CN230736.
Hereditary cancer-predisposing syndrome. Also called: Hereditary neoplastic syndrome; Neoplastic Syndromes, Hereditary; Tumor predisposition; Hereditary Cancer Syndrome. Identifiers: Orphanet 140162, MedGen C0027672, MeSH D009386, MONDO:0015356.
Juvenile myelomonocytic leukemia (JMML). Also called: LEUKEMIA, JUVENILE MYELOMONOCYTIC, SOMATIC. Identifiers: Orphanet 86834, MedGen C0349639, MONDO:0011908, OMIM 607785, HP:0012209.
Neurofibromatosis-Noonan syndrome (NFNS). Also called: NEUROFIBROMATOSIS WITH NOONAN PHENOTYPE. Identifiers: Orphanet 638, MedGen C2931482, MONDO:0011035, OMIM 601321. Disease mechanism: loss of function.
Neurofibromatosis, familial spinal (FSNF). Identifiers: Orphanet 636, MedGen C1834235, MONDO:0008078, OMIM 162210. Disease mechanism: loss of function.
Neurofibromatosis, type 1 (NF1). Also called: VON RECKLINGHAUSEN DISEASE; Peripheral type neurofibromatosis; NEUROFIBROMATOSIS, TYPE I, SOMATIC; Neurofibromatosis, type I. Identifiers: Orphanet 636, MedGen C0027831, MONDO:0018975, OMIM 162200. Disease mechanism: loss of function.
Café-au-lait macules with pulmonary stenosis (WTSN). Also called: PULMONIC STENOSIS WITH CAFE-AU-LAIT SPOTS. Identifiers: MedGen C0553586, MONDO:0008672, OMIM 193520.

Allele frequency attached by ClinVar (database versions not stated): gnomAD exomes below 0.00001.
gnomAD v4.1: 5 of 1,604,094 alleles (0.00031%); highest among the groups gnomAD compares: Non-Finnish European, 0.00043%; no homozygotes.

Submissions (4):

Labcorp Genetics (formerly Invitae), Labcorp
Classification: Uncertain significance for Neurofibromatosis, type 1. Last evaluated: 2025-08-13. Review status: criteria provided, single submitter. Criteria: Invitae Variant Classification Sherloc (09022015). Collection method: clinical testing. Allele origin: germline.
Comment: This sequence change replaces alanine, which is neutral and non-polar, with glycine, which is neutral and non-polar, at codon 219 of the NF1 protein (p.Ala219Gly). This variant is present in population databases (no rsID available, gnomAD 0.0009%). This variant has not been reported in the literature in individuals affected with NF1-related conditions. ClinVar contains an entry for this variant (Variation ID: 481963). An algorithm developed to predict the effect of missense changes on protein structure and function (PolyPhen-2) suggests that this variant is likely to be disruptive. In summary, the available evidence is currently insufficient to determine the role of this variant in disease. Therefore, it has been classified as a Variant of Uncertain Significance.

Ambry Genetics
Classification: Uncertain significance for Cardiovascular phenotype; Hereditary cancer-predisposing syndrome. Last evaluated: 2024-08-14. Review status: criteria provided, single submitter. Criteria: Ambry Variant Classification Scheme 2023. Collection method: clinical testing. Allele origin: germline.

Fulgent Genetics
Classification: Uncertain significance for Neurofibromatosis, type 1; Neurofibromatosis, familial spinal; Café-au-lait macules with pulmonary stenosis; Neurofibromatosis-Noonan syndrome; Juvenile myelomonocytic leukemia. Last evaluated: 2024-02-19. Review status: criteria provided, single submitter. Criteria: ACMG Guidelines, 2015. Collection method: clinical testing. Allele origin: germline.

Genome-Nilou Lab
Classification: Uncertain significance for Neurofibromatosis, type 1. Last evaluated: 2022-03-15. Review status: criteria provided, single submitter. Criteria: ACMG Guidelines, 2015. Collection method: clinical testing. Allele origin: germline. Affected: no.